The following is an entry in ClinVar:

NM_201548.5(CERKL):c.1389_1392dup (p.Thr465fs)

Gene: CERKL (CERK like autophagy regulator; minus strand). Cytogenetic location: 2q31.3.
Variant type: Duplication.
Coding change: c.1389_1392dup on transcript NM_201548.5 (MANE Select); coding-DNA positions 1389 to 1392, 4 bases duplicated (TTAC; older notation c.1389_1392dupTTAC).
Protein change: p.Thr465fs; shifts the reading frame from threonine 465.
Molecular consequence: frameshift variant. On other transcripts: non-coding transcript variant (2).
Genome position (GRCh38, 1-based): chr2:181,539,238-181,539,241, GTAA duplicated on the plus strand (TTAC on the coding strand, the reverse complement: CERKL is on the minus strand); duplicating any 4 consecutive bases within chr2:181,539,238-181,539,243 gives the same sequence; the c. name uses the placement nearest the transcript's 3' end. VCF-style (leftmost placement, unchanged base first): chr2-181539237-T-TGTAA. GRCh37 (hg19) VCF-style: chr2-182403964-T-TGTAA.
Other names: c.1467_1470dup, p.Thr491fs (NM_001030311.3); c.1050_1053dup, p.Thr352fs (NM_001030312.3); c.1182_1185dup, p.Thr396fs (NM_001030313.3); c.1335_1338dup, p.Thr447fs (NM_001160277.2); c.1467_1470dupTTAC (NM_001030311.2); short protein forms T352fs, T396fs, T447fs, T465fs, T491fs.
Identifiers: ClinVar variation 1075776 (VCV001075776.13), dbSNP rs1026405158, ClinGen allele CA538109521.

ClinVar aggregate classification (germline): Pathogenic. Review status: criteria provided, multiple submitters, no conflicts (2 of 4 stars). 5 submissions from 5 submitters: Pathogenic (5). Last evaluated 2026-02-19.

Conditions:
Retinitis pigmentosa 26 (RP26). Identifiers: Orphanet 791, MedGen C1842127, MONDO:0012024, OMIM 608380.

Submissions (5):

Myriad Genetics, Inc.
Classification: Pathogenic for Retinitis pigmentosa 26. Last evaluated: 2026-02-19. Review status: criteria provided, single submitter. Criteria: Myriad Autosomal Dominant, Autosomal Recessive and X-Linked Classification Criteria (2023). Collection method: clinical testing. Allele origin: unknown.
Comment: NM_001030311.2(CERKL):c.1467_1470dupTTAC(T491Lfs*4) is a frameshift variant classified as pathogenic in the context of retinitis pigmentosa, CERKL-related. T491Lfs*4 has been observed in a case with relevant disease (PMID: 33090715). Relevant functional assessments of this variant are not available in the literature. T491Lfs*4 has been observed in referenced population frequency databases. In summary, NM_001030311.2(CERKL):c.1467_1470dupTTAC(T491Lfs*4) is a frameshift variant in a gene where loss of function is a known mechanism of disease, is predicted to disrupt protein function, and has been observed more frequently in cases with the relevant disease than in healthy populations. Please note: this variant was assessed in the context of healthy population screening.

Natera, Inc.
Classification: Pathogenic for Retinitis Pigmentosa 26. Last evaluated: 2025-07-28. Review status: criteria provided, single submitter. Criteria: Natera Variant Classification Schema (03/2026). Collection method: clinical testing. Allele origin: germline.
Comment: The c.1467_1470dupTTAC variant in CERKL is a frameshift variant predicted to shift the reading frame beginning at codon 491 and leads to a stop codon 4 codons downstream. This variant is expected to result in nonsense mediated decay, truncation, or a dysfunctional protein product. This variant is rare in the general population with a frequency below the threshold expected for the associated phenotype(s). This variant has been observed in one or more individuals affected with the associated recessive disease, as either homozygous or compound heterozygous with a second variant (PMID: 30029497). Given the available evidence, this variant is classified as Pathogenic.

Baylor Genetics
Classification: Pathogenic for Retinitis pigmentosa 26. Last evaluated: 2024-02-14. Review status: criteria provided, single submitter. Criteria: ACMG Guidelines, 2015. Collection method: clinical testing. Allele origin: unknown.

Labcorp Genetics (formerly Invitae), Labcorp
Classification: Pathogenic. Last evaluated: 2023-08-29. Review status: criteria provided, single submitter. Criteria: Invitae Variant Classification Sherloc (09022015). Collection method: clinical testing. Allele origin: germline.
Comment: For these reasons, this variant has been classified as Pathogenic. This sequence change creates a premature translational stop signal (p.Thr491Leufs*4) in the CERKL gene. It is expected to result in an absent or disrupted protein product. Loss-of-function variants in CERKL are known to be pathogenic (PMID: 14681825, 23591405, 24043777). This variant is present in population databases (no rsID available, gnomAD 0.006%). This premature translational stop signal has been observed in individual(s) with retinitis pigmentosa (PMID: 30029497). ClinVar contains an entry for this variant (Variation ID: 1075776).

Juno Genomics, Hangzhou Juno Genomics, Inc
Classification: Pathogenic for Retinitis pigmentosa 26. Review status: criteria provided, single submitter. Criteria: ACMG Guidelines, 2015. Collection method: clinical testing. Allele origin: germline. Affected: yes.
Comment: Absent from controls (or at extremely low frequency if recessive) in Genome Aggregation Database, Exome Sequencing Project, 1000 Genomes Project, or Exome Aggregation Consortium.;Null variant in a gene where loss of function (LOF) is a known mechanism of disease.;For recessive disorders, detected in trans with a pathogenic variant.;Patient's phenotype or family history is highly specific for a disease with a single genetic etiology.

Literature cited by the submitters: PubMed 33090715 (cited by Myriad Genetics, Inc.); PubMed 30029497 (cited by Natera, Inc. and Labcorp Genetics (formerly Invitae), Labcorp); PubMed 14681825 (cited by Labcorp Genetics (formerly Invitae), Labcorp); PubMed 23591405 (cited by Labcorp Genetics (formerly Invitae), Labcorp); PubMed 24043777 (cited by Labcorp Genetics (formerly Invitae), Labcorp).